The following is an entry in ClinVar:

NM_001330078.2(NRXN1):c.550A>G (p.Ile184Val)

Gene: NRXN1 (neurexin 1; minus strand). Cytogenetic location: 2p16.3.
Variant type: single nucleotide variant.
Coding change: c.550A>G on transcript NM_001330078.2 (MANE Select); coding-DNA position 550, A replaced by G.
Protein change: p.Ile184Val; replaces isoleucine 184 with valine.
Molecular consequence: missense variant.
Genome position (GRCh38, 1-based): chr2:51,027,724, T>C on the plus strand (A>G on the coding strand, the complement: NRXN1 is on the minus strand). VCF-style: chr2-51027724-T-C. GRCh37 (hg19) VCF-style: chr2-51254862-T-C.
Other names: c.550A>G, p.Ile184Val (NM_001135659.3, NM_001330077.2, NM_001330079.2 and 15 more transcripts); short protein forms I184V.
Identifiers: ClinVar variation 1063957 (VCV001063957.9), dbSNP rs2105328879, ClinGen allele CA346823777.

ClinVar aggregate classification (germline): Uncertain significance (1 of 4 stars; one submission).

Conditions:
Pitt-Hopkins-like syndrome 2 (PTHSL2). Identifiers: Orphanet 221150, Orphanet 600663, MedGen C3280479, MONDO:0013690, OMIM 614325.

Submission:

Labcorp Genetics (formerly Invitae), Labcorp
Classification: Uncertain significance for Pitt-Hopkins-like syndrome 2. Last evaluated: 2020-10-30. Review status: criteria provided, single submitter. Criteria: Invitae Variant Classification Sherloc (09022015). Collection method: clinical testing. Allele origin: germline.
Comment: In summary, the available evidence is currently insufficient to determine the role of this variant in disease. Therefore, it has been classified as a Variant of Uncertain Significance. Algorithms developed to predict the effect of sequence changes on RNA splicing suggest that this variant may create or strengthen a splice site, but this prediction has not been confirmed by published transcriptional studies. Algorithms developed to predict the effect of missense changes on protein structure and function are either unavailable or do not agree on the potential impact of this missense change (SIFT: "Deleterious"; PolyPhen-2: "Benign"; Align-GVGD: "Class C0"). This variant has not been reported in the literature in individuals with NRXN1-related conditions. This variant is not present in population databases (ExAC no frequency). This sequence change replaces isoleucine with valine at codon 184 of the NRXN1 protein (p.Ile184Val). The isoleucine residue is highly conserved and there is a small physicochemical difference between isoleucine and valine.